The following is an entry in ClinVar:

NM_004370.6(COL12A1):c.6712A>T (p.Ser2238Cys)

Gene: COL12A1 (collagen type XII alpha 1 chain; minus strand). Cytogenetic location: 6q13.
Variant type: single nucleotide variant.
Coding change: c.6712A>T on transcript NM_004370.6 (MANE Select); coding-DNA position 6712, A replaced by T.
Protein change: p.Ser2238Cys; replaces serine 2238 with cysteine.
Molecular consequence: missense variant.
Genome position (GRCh38, 1-based): chr6:75,124,267, T>A on the plus strand (A>T on the coding strand, the complement: COL12A1 is on the minus strand). VCF-style: chr6-75124267-T-A. GRCh37 (hg19) VCF-style: chr6-75833983-T-A.
Other names: c.6712A>T, p.Ser2238Cys (NM_001424113.1); c.6691A>T, p.Ser2231Cys (NM_001424114.1); c.6439A>T, p.Ser2147Cys (NM_001424115.1); c.3220A>T, p.Ser1074Cys (NM_001424116.1, NM_080645.3); short protein forms S1074C, S2147C, S2231C, S2238C.
Identifiers: ClinVar variation 3756636 (VCV003756636.2).

ClinVar aggregate classification (germline): Uncertain significance (1 of 4 stars; one submission).

Conditions:
Ullrich congenital muscular dystrophy 2 (UCMD2). Identifiers: Orphanet 75840, MedGen C4225314, MONDO:0014654, OMIM 616470.
Bethlem myopathy 2 (BTHLM2). Identifiers: Orphanet 536516, Orphanet 610, MedGen C4225313, MONDO:0034022, OMIM 616471.

Submission:

Labcorp Genetics (formerly Invitae), Labcorp
Classification: Uncertain significance for Bethlem myopathy 2; Ullrich congenital muscular dystrophy 2. Last evaluated: 2024-10-22. Review status: criteria provided, single submitter. Criteria: Invitae Variant Classification Sherloc (09022015). Collection method: clinical testing. Allele origin: germline.
Comment: This sequence change replaces serine, which is neutral and polar, with cysteine, which is neutral and slightly polar, at codon 2238 of the COL12A1 protein (p.Ser2238Cys). This variant is not present in population databases (gnomAD no frequency). This variant has not been reported in the literature in individuals affected with COL12A1-related conditions. Invitae Evidence Modeling of protein sequence and biophysical properties (such as structural, functional, and spatial information, amino acid conservation, physicochemical variation, residue mobility, and thermodynamic stability) indicates that this missense variant is not expected to disrupt COL12A1 protein function with a negative predictive value of 80%. In summary, the available evidence is currently insufficient to determine the role of this variant in disease. Therefore, it has been classified as a Variant of Uncertain Significance.